The following is an entry in ClinVar:

ClinVar aggregate classification (germline): Benign. Review status: criteria provided, multiple submitters, no conflicts (2 of 4 stars). 3 submissions from 3 submitters: Benign (3). Last evaluated 2021-05-13.

Allele frequency attached by ClinVar (database versions not stated): gnomAD exomes 0.80669 and 0.84180; ESP Exome Variant Server 0.83923; ExAC 0.84408; gnomAD 0.85115 and 0.85147; TOPMed 0.85665; 1000 Genomes Project 0.88838; 1000 Genomes Project 30x 0.89194.
gnomAD v4.1: 1,297,962 of 1,600,030 alleles (81%); highest among the groups gnomAD compares: East Asian, 97%; 529,075 homozygotes.

Submissions (3):

GeneDx
Classification: Benign. Last evaluated: 2021-05-13. Review status: criteria provided, single submitter. Criteria: GeneDx Variant Classification Process June 2021. Collection method: clinical testing. Allele origin: germline. Affected: yes.

Laboratory for Molecular Medicine, Mass General Brigham Personalized Medicine
Classification: Benign. Last evaluated: 2016-03-28. Review status: criteria provided, single submitter. Criteria: LMM Criteria. Collection method: clinical testing. Allele origin: germline.
Comment: Variant identified in a genome or exome case(s) and assessed due to predicted null impact of the variant or pathogenic assertions in the literature or databases. Disclaimer: This variant has not undergone full assessment. The following are preliminary notes: Frequency

Breakthrough Genomics
Classification: Benign. Review status: criteria provided, single submitter. Criteria: ACMG Guidelines, 2015. Collection method: not provided. Allele origin: germline. Inheritance: Autosomal dominant inheritance. Affected: yes.

NM_000603.5(NOS3):c.2984+15A>G

Gene: NOS3 (nitric oxide synthase 3; plus strand). Cytogenetic location: 7q36.1.
Variant type: single nucleotide variant.
Coding change: c.2984+15A>G on transcript NM_000603.5 (MANE Select); 15 bases into the intron after coding-DNA position 2984, A replaced by G.
Molecular consequence: intron variant.
Genome position (GRCh38, 1-based): chr7:151,011,001, A>G. VCF-style: chr7-151011001-A-G. GRCh37 (hg19) VCF-style: chr7-150708089-A-G.
Identifiers: ClinVar variation 403250 (VCV000403250.6), dbSNP rs891512, ClinGen allele CA4567546.